The following is an entry in ClinVar:

ClinVar aggregate classification (germline): Uncertain significance (1 of 4 stars; one submission).

Conditions:
Early onset severe obesity. Identifiers: MedGen C4013980.

Submission:

Cambridge Genomics Laboratory, East Genomic Laboratory Hub, NHS Genomic Medicine Service
Classification: Uncertain significance for Severe early-onset obesity. Last evaluated: 2023-11-28. Review status: criteria provided, single submitter. Criteria: ACGS Best Practice Guidelines for Variant Classification in Rare Disease 2020. Collection method: clinical testing. Allele origin: germline. Affected: yes.
Comment: The p.Asp393Gly variant is observed in 1/113.214 (0.0009%) alleles from individuals of gnomAD Non Finnish European background in gnomAD All. The p.Asp393Gly variant is novel (not in any individuals) in 1kG All. The p.Asp393Gly variant is novel (not in any individuals) in gnomAD Genomes v3 All. (PM2 - Moderate) | The gene KIDINS220 has a low rate of benign missense variation as indicated by a high missense variants Z-Score of 2.26. (PP2 - Supporting) | (BP4 - Supporting)

NM_020738.4(KIDINS220):c.1178A>G (p.Asp393Gly)

Gene: KIDINS220 (kinase D interacting substrate 220; minus strand). Cytogenetic location: 2p25.1.
Variant type: single nucleotide variant.
Coding change: c.1178A>G on transcript NM_020738.4 (MANE Select); coding-DNA position 1178, A replaced by G.
Protein change: p.Asp393Gly; replaces aspartic acid 393 with glycine.
Molecular consequence: missense variant. On other transcripts: non-coding transcript variant (2).
Genome position (GRCh38, 1-based): chr2:8,793,908, T>C on the plus strand (A>G on the coding strand, the complement: KIDINS220 is on the minus strand). VCF-style: chr2-8793908-T-C. GRCh37 (hg19) VCF-style: chr2-8934038-T-C.
Other names: c.1181A>G, p.Asp394Gly (NM_001348729.2, NM_001348731.2, NM_001348734.2 and 3 more transcripts); c.1178A>G, p.Asp393Gly (NM_001348732.2, NM_001348735.2, NM_001348738.2 and 3 more transcripts); c.1052A>G, p.Asp351Gly (NM_001348736.2); short protein forms D351G, D393G, D394G.
Identifiers: ClinVar variation 4812858 (VCV004812858.1).